The following is an entry in ClinVar:

ClinVar aggregate classification (germline): Benign/Likely benign. Review status: criteria provided, multiple submitters, no conflicts (2 of 4 stars). 13 submissions from 12 submitters: Benign (8); Likely benign (4). 1 of the submissions does not count toward it. Last evaluated 2026-08-01.

Conditions:
RYR1-related disorder. Also called: RYR1-related condition; RYR1-related disorders. Identifiers: MedGen CN239331.
Congenital multicore myopathy with external ophthalmoplegia (CMYO1B). Also called: Congenital myopathy 1B, autosomal recessive; Minicore myopathy; MULTICORE MYOPATHY; Minicore myopathy with external ophthalmoplegia; MULTIMINICORE DISEASE WITH EXTERNAL OPHTHALMOPLEGIA. Identifiers: Orphanet 598, Orphanet 98905, MedGen C1850674, MONDO:0009712, OMIM 255320, HP:0003789.
Malignant hyperthermia, susceptibility to, 1 (MHS1). Also called: Anesthesia related hyperthermia; Malignant hyperpyrexia; Fulminating hyperpyrexia; Pharmacogenic myopathy; RYR1-Related Malignant Hyperthermia Susceptibility; Malignant hyperthermia suceptibility 1. Identifiers: Orphanet 423, MedGen C2930980, MONDO:0007783, OMIM 145600.

Allele frequency attached by ClinVar (database versions not stated): gnomAD exomes 0.00037 and 0.00098; ExAC 0.00109; ESP Exome Variant Server 0.00318; gnomAD 0.00403 and 0.00422; TOPMed 0.00447; 1000 Genomes Project 0.00599; 1000 Genomes Project 30x 0.00609.
gnomAD v4.1: 1,170 of 1,613,130 alleles (0.073%); highest among the groups gnomAD compares: African/African-American, 1.4%; 11 homozygotes.

Submissions (13):

CeGaT Center for Human Genetics Tuebingen
Classification: Likely benign. Last evaluated: 2026-08-01. Review status: criteria provided, single submitter. Criteria: CeGaT Center For Human Genetics Tuebingen Variant Classification Criteria Version 2. Collection method: clinical testing. Allele origin: germline. Affected: yes. Observed: 8 variant alleles.
Comment: RYR1: BP4, BP7, BS1

Labcorp Genetics (formerly Invitae), Labcorp
Classification: Benign for RYR1-related disorder. Last evaluated: 2026-02-01. Review status: criteria provided, single submitter. Criteria: Invitae Variant Classification Sherloc (09022015). Collection method: clinical testing. Allele origin: germline.

ARUP Laboratories, Molecular Genetics and Genomics, ARUP Laboratories
Classification: Benign. Last evaluated: 2025-06-27. Review status: criteria provided, single submitter. Criteria: ARUP Molecular Germline Variant Investigation Process 2024. Collection method: clinical testing. Allele origin: germline.

Blueprint Genetics
Classification: Likely benign. Last evaluated: 2024-11-28. Review status: criteria provided, single submitter. Criteria: ACMG Guidelines, 2015. Collection method: clinical testing. Allele origin: germline.

All of Us Research Program, National Institutes of Health
Classification: Benign for Malignant hyperthermia, susceptibility to, 1. Last evaluated: 2024-02-05. Review status: criteria provided, single submitter. Criteria: ACMG Guidelines, 2015. Collection method: clinical testing. Allele origin: germline. Inheritance: Autosomal dominant inheritance. Observed: 231 variant alleles, 230 heterozygotes, 1 homozygote.
Comment: This study involves interpretation of variants in research participants for the purpose of population health screening. Participant phenotype was not available at the time of variant classification. Additional details can be found in publication PMID: 35346344, PMCID: PMC8962531

Color Diagnostics, LLC DBA Color Health
Classification: Benign for Malignant hyperthermia, susceptibility to, 1. Last evaluated: 2022-10-17. Review status: criteria provided, single submitter. Criteria: ACMG Guidelines, 2015. Collection method: clinical testing. Allele origin: germline.

GeneDx
Classification: Likely benign. Last evaluated: 2021-05-15. Review status: criteria provided, single submitter. Criteria: GeneDx Variant Classification Process June 2021. Collection method: clinical testing. Allele origin: germline. Affected: yes.

Illumina Laboratory Services, Illumina
Classification: Benign for Congenital multicore myopathy with external ophthalmoplegia. Last evaluated: 2018-01-13. Review status: criteria provided, single submitter. Criteria: ICSL Variant Classification Criteria 13 December 2019. Collection method: clinical testing. Allele origin: germline.
Comment: This variant was observed in the ICSL laboratory as part of a predisposition screen in an ostensibly healthy population. It had not been previously curated by ICSL or reported in the Human Gene Mutation Database (HGMD: prior to June 1st, 2018), and was therefore a candidate for classification through an automated scoring system. Utilizing variant allele frequency, disease prevalence and penetrance estimates, and inheritance mode, an automated score was calculated to assess if this variant is too frequent to cause the disease. Based on the score and internal cut-off values, a variant classified as benign is not then subjected to further curation. The score for this variant resulted in a classification of benign for this disease.

Illumina Laboratory Services, Illumina
Classification: Benign for Malignant hyperthermia, susceptibility to, 1. Last evaluated: 2018-01-13. Review status: criteria provided, single submitter. Criteria: ICSL Variant Classification Criteria 13 December 2019. Collection method: clinical testing. Allele origin: germline.
Comment: the same text as in the submission from Illumina Laboratory Services, Illumina above.

PreventionGenetics, part of Exact Sciences
Classification: Benign. Last evaluated: 2017-08-30. Review status: criteria provided, single submitter. Criteria: ACMG Guidelines, 2015. Collection method: clinical testing. Allele origin: germline.

Eurofins Ntd Llc (ga)
Classification: Benign. Last evaluated: 2013-05-07. Review status: criteria provided, single submitter. Criteria: EGL Classification Definitions 2015. Collection method: clinical testing. Allele origin: germline. Observed: 1 variant allele, 1 heterozygote.

Breakthrough Genomics
Classification: Likely benign. Review status: criteria provided, single submitter. Criteria: ACMG Guidelines, 2015. Collection method: not provided. Allele origin: germline. Inheritance: Autosomal recessive inheritance. Affected: yes.

Genetic Services Laboratory, University of Chicago
Classification: Likely benign. Review status: no assertion criteria provided. Collection method: clinical testing. Allele origin: germline. Inheritance: Autosomal unknown. Not counted in ClinVar's aggregate classification.
Comment: Likely benign based on allele frequency in 1000 Genomes Project or ESP global frequency and its presence in a patient with a rare or unrelated disease phenotype. NOT Sanger confirmed

NM_000540.3(RYR1):c.5493G>T (p.Gly1831=)

Gene: RYR1 (ryanodine receptor 1; plus strand). Cytogenetic location: 19q13.2.
Variant type: single nucleotide variant.
Coding change: c.5493G>T on transcript NM_000540.3 (MANE Select); coding-DNA position 5493, G replaced by T.
Protein change: p.Gly1831=; no amino-acid change (glycine 1831 retained).
Molecular consequence: synonymous variant.
Genome position (GRCh38, 1-based): chr19:38,486,148, G>T. VCF-style: chr19-38486148-G-T. GRCh37 (hg19) VCF-style: chr19-38976788-G-T.
Other names: c.5493G>T, p.Gly1831= (NM_001042723.2).
Identifiers: ClinVar variation 93274 (VCV000093274.44), dbSNP rs140004449, ClinGen allele CA024522.